The following is an entry in ClinVar:

NM_014241.4(HACD1):c.785-2A>G

Gene: HACD1 (3-hydroxyacyl-CoA dehydratase 1; minus strand). Cytogenetic location: 10p12.33.
Variant type: single nucleotide variant.
Coding change: c.785-2A>G on transcript NM_014241.4 (MANE Select); the canonical splice acceptor site of the intron before coding-DNA position 785, A replaced by G.
Molecular consequence: splice acceptor variant.
Genome position (GRCh38, 1-based): chr10:17,590,448, T>C on the plus strand (A>G on the coding strand, the complement: HACD1 is on the minus strand). VCF-style: chr10-17590448-T-C. GRCh37 (hg19) VCF-style: chr10-17632447-T-C.
Identifiers: ClinVar variation 1414427 (VCV001414427.6), dbSNP rs1554815479, ClinGen allele CA376192476.

ClinVar aggregate classification (germline): Uncertain significance (1 of 4 stars; one submission).

Allele frequency attached by ClinVar (database versions not stated): gnomAD exomes below 0.00001 and 0.00001; gnomAD 0.00001.
gnomAD v4.1: 5 of 1,574,558 alleles (0.00032%); highest among the groups gnomAD compares: Non-Finnish European, 0.00043%; no homozygotes.

Submission:

Labcorp Genetics (formerly Invitae), Labcorp
Classification: Uncertain significance. Last evaluated: 2021-11-30. Review status: criteria provided, single submitter. Criteria: Invitae Variant Classification Sherloc (09022015). Collection method: clinical testing. Allele origin: germline.
Comment: In summary, the available evidence is currently insufficient to determine the role of this variant in disease. Therefore, it has been classified as a Variant of Uncertain Significance. Variants that disrupt the consensus splice site are a relatively common cause of aberrant splicing (PMID: 17576681, 9536098). Algorithms developed to predict the effect of sequence changes on RNA splicing suggest that this variant may disrupt the consensus splice site. This variant has not been reported in the literature in individuals affected with HACD1-related conditions. The frequency data for this variant in the population databases is considered unreliable, as metrics indicate poor data quality at this position in the gnomAD database. This sequence change affects an acceptor splice site in intron 6 of the HACD1 gene. While this variant is not anticipated to result in nonsense mediated decay, it likely alters RNA splicing and results in a disrupted protein product.

Literature cited by the submitters: PubMed 17576681; PubMed 9536098.